The following is an entry in ClinVar:

NM_005639.3(SYT1):c.414AGA[1] (p.Glu141del)

Gene: SYT1 (synaptotagmin 1; plus strand). Cytogenetic location: 12q21.2.
Variant type: Microsatellite.
Coding change: c.414AGA[1] on transcript NM_005639.3 (MANE Select); one copy of the 3-base unit AGA starting at c.414; the reference has two copies in a row; one copy, 3 bases deleted.
Protein change: p.Glu141del; deletes glutamic acid 141.
Molecular consequence: inframe deletion.
Genome position (GRCh38, 1-based): chr12:79,292,073-79,292,075, AGA deleted; deleting any 3 consecutive bases within chr12:79,292,069-79,292,075 gives the same sequence; the position shown is the placement nearest the transcript's 3' end. VCF-style (leftmost placement, unchanged base first): chr12-79292068-AAAG-A. GRCh37 (hg19) VCF-style: chr12-79685848-AAAG-A.
Other names: c.414AGA[1], p.Glu141del (NM_001135805.2, NM_001135806.2, NM_001415938.1 and 2 more transcripts); c.405AGA[1], p.Glu138del (NM_001291901.2, NM_001415941.1, NM_001415942.1 and 1 more transcripts); short protein forms E138del, E141del.
Identifiers: ClinVar variation 3347820 (VCV003347820.1).

ClinVar aggregate classification (germline): Uncertain significance (0 of 4 stars; one submission).

Conditions:
SYT1-related disorder. Also called: SYT1-related condition.

Submission:

PreventionGenetics, part of Exact Sciences
Classification: Uncertain significance for SYT1-related condition. Last evaluated: 2024-08-07. Review status: no assertion criteria provided. Collection method: clinical testing. Allele origin: germline.
Comment: The SYT1 c.417_419delAGA variant is predicted to result in an in-frame deletion (p.Glu141del). To our knowledge, this variant has not been reported in the literature. This variant is reported in 0.0058% of alleles in individuals of Latino descent in gnomAD. At this time, the clinical significance of this variant is uncertain due to the absence of conclusive functional and genetic evidence.